The following is an entry in ClinVar:

ClinVar aggregate classification (germline): Likely pathogenic (0 of 4 stars; one submission).

Conditions:
SALL1-related disorder. Also called: SALL1-related condition.

Submission:

PreventionGenetics, part of Exact Sciences
Classification: Likely pathogenic for SALL1-related condition. Last evaluated: 2024-05-13. Review status: no assertion criteria provided. Collection method: clinical testing. Allele origin: germline.
Comment: The SALL1 c.486delC variant is predicted to result in a frameshift and premature protein termination (p.Gly163Alafs*20). To our knowledge, this variant has not been reported in the literature or in a large population database, indicating this variant is rare. Frameshift variants in SALL1 are expected to be pathogenic. This variant is interpreted as likely pathogenic.

NM_002968.3(SALL1):c.486del (p.Gly163fs)

Gene: SALL1 (spalt like transcription factor 1; minus strand). Cytogenetic location: 16q12.1.
Variant type: Deletion.
Coding change: c.486del on transcript NM_002968.3 (MANE Select); coding-DNA position 486, one base deleted (C; older notation c.486delC).
Protein change: p.Gly163fs; shifts the reading frame from glycine 163.
Molecular consequence: frameshift variant.
Genome position (GRCh38, 1-based): chr16:51,141,736, G deleted on the plus strand (C on the coding strand, the reverse complement: SALL1 is on the minus strand). VCF-style (leftmost placement, unchanged base first): chr16-51141735-CG-C. GRCh37 (hg19) VCF-style: chr16-51175646-CG-C.
Other names: c.195del, p.Gly66fs (NM_001127892.2); short protein forms G163fs, G66fs.
Identifiers: ClinVar variation 3344531 (VCV003344531.1).
Genomic context (GRCh38, chr16:51,141,735, plus strand): 5'-TCAGGTCCCCGAGTTGAGGTAGAGAGGTTGTGATCGCTGAGGTACCTGTGGAGGAGCTGC[CG>C]CCGCCGCCGCTGCTGCTGCTGCTGCTGCTGCTGCTGCTTGGGGCGGTACTGCTGTGGCTG-3'